The following is an entry in ClinVar:

ClinVar aggregate classification (germline): Likely pathogenic (1 of 4 stars; one submission).

Conditions:
Hypertrophic cardiomyopathy. Also called: HYPERTROPHIC MYOCARDIOPATHY. Identifiers: Orphanet 217569, MedGen C0007194, MeSH D002312, MONDO:0005045, HP:0001639.

Submission:

Labcorp Genetics (formerly Invitae), Labcorp
Classification: Likely pathogenic for Hypertrophic cardiomyopathy. Last evaluated: 2025-11-06. Review status: criteria provided, single submitter. Criteria: Invitae Variant Classification Sherloc (09022015). Collection method: clinical testing. Allele origin: germline.
Comment: This sequence change replaces arginine, which is basic and polar, with glycine, which is neutral and non-polar, at codon 1193 of the MYH7 protein (p.Arg1193Gly). This variant is not present in population databases (gnomAD no frequency). This missense change has been observed in individual(s) with dilated cardiomyopathy (internal data). ClinVar contains an entry for this variant (Variation ID: 2177351). Invitae Evidence Modeling of protein sequence and biophysical properties (such as structural, functional, and spatial information, amino acid conservation, physicochemical variation, residue mobility, and thermodynamic stability) indicates that this missense variant is expected to disrupt MYH7 protein function with a positive predictive value of 95%. This variant disrupts the p.Arg1193 amino acid residue in MYH7. Other variant(s) that disrupt this residue have been determined to be pathogenic (PMID: 22464770, 27532257; external communication, internal data). This suggests that this residue is clinically significant, and that variants that disrupt this residue are likely to be disease-causing. In summary, the currently available evidence indicates that the variant is pathogenic, but additional data are needed to prove that conclusively. Therefore, this variant has been classified as Likely Pathogenic.

Literature cited by the submitters: PubMed 22464770; PubMed 27532257.

NM_000257.4(MYH7):c.3577C>G (p.Arg1193Gly)

Gene: MYH7 (myosin heavy chain 7; minus strand). Cytogenetic location: 14q11.2.
Variant type: single nucleotide variant.
Coding change: c.3577C>G on transcript NM_000257.4 (MANE Select); coding-DNA position 3577, C replaced by G.
Protein change: p.Arg1193Gly; replaces arginine 1193 with glycine.
Molecular consequence: missense variant.
Genome position (GRCh38, 1-based): chr14:23,419,994, G>C on the plus strand (C>G on the coding strand, the complement: MYH7 is on the minus strand). VCF-style: chr14-23419994-G-C. GRCh37 (hg19) VCF-style: chr14-23889203-G-C.
Other names: c.3577C>G, p.Arg1193Gly (NM_001407004.1); short protein forms R1193G.
Identifiers: ClinVar variation 2177351 (VCV002177351.4), dbSNP rs886039090, ClinGen allele CA389043415.